The following is an entry in ClinVar:

ClinVar aggregate classification (germline): Pathogenic. Review status: criteria provided, multiple submitters, no conflicts (2 of 4 stars). 5 submissions from 5 submitters: Pathogenic (4). 1 of the submissions does not count toward it. Last evaluated 2025-04-18.

Conditions:
Alstrom syndrome (ALMS). Identifiers: Orphanet 64, MedGen C0268425, MONDO:0008763, OMIM 203800.
Retinal dystrophy. Also called: Inherited retinal dystrophy. Identifiers: Orphanet 71862, MedGen C0854723, MeSH D058499, MONDO:0019118, HP:0000556.

gnomAD v4.1: 7 of 1,614,032 alleles (0.00043%); highest among the groups gnomAD compares: Non-Finnish European, 0.00059%; no homozygotes.

Submissions (5):

Natera, Inc.
Classification: Pathogenic for Alstrom syndrome. Last evaluated: 2025-04-18. Review status: criteria provided, single submitter. Criteria: Natera Variant Classification Schema (03/2026). Collection method: clinical testing. Allele origin: germline.
Comment: The c.11207C>A variant in ALMS1 is a nonsense variant predicted to introduce a stop codon at amino acid 3736. This variant is expected to result in nonsense mediated decay, truncation, or a dysfunctional protein product. This variant is rare in the general population with a frequency below the threshold expected for the associated phenotype(s). This variant has been observed in one or more individuals affected with the associated recessive disease, as either homozygous or compound heterozygous with a second variant (PMID: 26283575). Additionally, this variant has been observed to segregate in affected family members (PMID: 26283575). Given the available evidence, this variant is classified as Pathogenic.

GeneDx
Classification: Pathogenic. Last evaluated: 2024-12-30. Review status: criteria provided, single submitter. Criteria: GeneDx Variant Classification Process June 2021. Collection method: clinical testing. Allele origin: germline. Affected: yes.
Comment: Observed multiple times with a pathogenic variant in unrelated patients with Alstrom syndrome in published literature, but it is not known whether the variants occurred on the same (in cis) or on different (in trans) chromosomes in some cases (PMID: 28432734, 17594715, 26283575); Nonsense variant predicted to result in protein truncation or nonsense mediated decay in a gene for which loss-of-function is a known mechanism of disease; Not observed at a significant frequency in large population cohorts (gnomAD); This variant is associated with the following publications: (PMID: 26283575, 17594715, 28432734)

Labcorp Genetics (formerly Invitae), Labcorp
Classification: Pathogenic for Alstrom syndrome. Last evaluated: 2023-05-22. Review status: criteria provided, single submitter. Criteria: Invitae Variant Classification Sherloc (09022015). Collection method: clinical testing. Allele origin: germline.
Comment: For these reasons, this variant has been classified as Pathogenic. ClinVar contains an entry for this variant (Variation ID: 280474). This premature translational stop signal has been observed in individual(s) with Alstrom syndrome (PMID: 17594715, 26283575, 28432734). In at least one individual the data is consistent with being in trans (on the opposite chromosome) from a pathogenic variant. This variant is present in population databases (no rsID available, gnomAD 0.0009%). This sequence change creates a premature translational stop signal (p.Ser3736*) in the ALMS1 gene. It is expected to result in an absent or disrupted protein product. Loss-of-function variants in ALMS1 are known to be pathogenic (PMID: 17594715).

Institute of Human Genetics, Univ. Regensburg, Univ. Regensburg
Classification: Pathogenic for Retinal dystrophy. Last evaluated: 2017-01-01. Review status: criteria provided, single submitter. Criteria: ACMG Guidelines, 2015. Collection method: clinical testing. Allele origin: germline. Affected: yes.

Counsyl
Classification: Pathogenic for Alstrom syndrome. Last evaluated: 2018-01-15. Review status: no assertion criteria provided. Collection method: clinical testing. Allele origin: unknown. Not counted in ClinVar's aggregate classification.

Literature cited by the submitters: PubMed 26283575 (cited by 3 submitters); PubMed 17594715 (cited by 3 submitters); PubMed 28432734 (cited by Labcorp Genetics (formerly Invitae), Labcorp).

NM_001378454.1(ALMS1):c.11204C>A (p.Ser3735Ter)

Gene: ALMS1 (ALMS1 centrosome and basal body associated protein; plus strand). Cytogenetic location: 2p13.1.
Variant type: single nucleotide variant.
Coding change: c.11204C>A on transcript NM_001378454.1 (MANE Select); coding-DNA position 11204, C replaced by A.
Protein change: p.Ser3735Ter; replaces serine 3735 with a stop codon.
Molecular consequence: nonsense.
Genome position (GRCh38, 1-based): chr2:73,573,081, C>A. VCF-style: chr2-73573081-C-A. GRCh37 (hg19) VCF-style: chr2-73800208-C-A.
Other names: c.11207C>A, p.Ser3736Ter (NM_015120.4); short protein forms S3736*, S3735*.
Identifiers: ClinVar variation 280474 (VCV000280474.15), dbSNP rs367877017, ClinGen allele CA10602888.